The following is an entry in ClinVar:

ClinVar aggregate classification (germline): Uncertain significance (1 of 4 stars; one submission).

Conditions:
Cardiovascular phenotype. Identifiers: MedGen CN230736.

gnomAD v4.1: 1 of 1,612,322 alleles (0.000062%); highest among the groups gnomAD compares: Non-Finnish European, 0.000085%; no homozygotes.

Submission:

Ambry Genetics
Classification: Uncertain significance for Cardiovascular phenotype. Last evaluated: 2024-09-11. Review status: criteria provided, single submitter. Criteria: Ambry Variant Classification Scheme 2023. Collection method: clinical testing. Allele origin: germline.
Comment: The p.G2532A variant (also known as c.7595G>C), located in coding exon 21 of the TNXB gene, results from a G to C substitution at nucleotide position 7595. The glycine at codon 2532 is replaced by alanine, an amino acid with similar properties. This amino acid position is conserved. In addition, this alteration is predicted to be tolerated by in silico analysis. Based on the available evidence, the clinical significance of this variant remains unclear.

NM_001365276.2(TNXB):c.7595G>C (p.Gly2532Ala)

Gene: TNXB (tenascin XB; minus strand). Cytogenetic location: 6p21.33.
Variant type: single nucleotide variant.
Coding change: c.7595G>C on transcript NM_001365276.2 (MANE Select); coding-DNA position 7595, G replaced by C.
Protein change: p.Gly2532Ala; replaces glycine 2532 with alanine.
Molecular consequence: missense variant.
Genome position (GRCh38, 1-based): chr6:32,058,288, C>G on the plus strand (G>C on the coding strand, the complement: TNXB is on the minus strand). VCF-style: chr6-32058288-C-G. GRCh37 (hg19) VCF-style: chr6-32026065-C-G.
Other names: c.8336G>C, p.Gly2779Ala (NM_001428335.1); c.7595G>C, p.Gly2532Ala (NM_019105.8); short protein forms G2532A, G2779A.
Identifiers: ClinVar variation 3459735 (VCV003459735.1).